The following is an entry in ClinVar:

NM_004525.3(LRP2):c.3430+4A>G

Gene: LRP2 (LDL receptor related protein 2; minus strand). Cytogenetic location: 2q31.1.
Variant type: single nucleotide variant.
Coding change: c.3430+4A>G on transcript NM_004525.3 (MANE Select); 4 bases into the intron after coding-DNA position 3430, A replaced by G.
Molecular consequence: intron variant.
Genome position (GRCh38, 1-based): chr2:169,244,689, T>C on the plus strand (A>G on the coding strand, the complement: LRP2 is on the minus strand). VCF-style: chr2-169244689-T-C. GRCh37 (hg19) VCF-style: chr2-170101199-T-C.
Identifiers: ClinVar variation 2061402 (VCV002061402.1), dbSNP rs1253610788, ClinGen allele CA537971887.
Genomic context (GRCh38, chr2:169,244,689, plus strand): 5'-CCATTTGGTTGTTGAAGTCTATTTACGAGGCTGACCAACCAAGGGAAACCAGCTCAAAAC[T>C]TACTGCAGTTCTTTTCATCAGATCCATCCCCACAATCATTGTCTGTGTCACAGACCCAGT-3'

ClinVar aggregate classification (germline): Uncertain significance (1 of 4 stars; one submission).

Allele frequency attached by ClinVar (database versions not stated): TOPMed below 0.00001.
gnomAD v4.1: 31 of 1,614,224 alleles (0.0019%); highest among the groups gnomAD compares: Non-Finnish European, 0.0023%; no homozygotes.

Submission:

Labcorp Genetics (formerly Invitae), Labcorp
Classification: Uncertain significance. Last evaluated: 2022-05-03. Review status: criteria provided, single submitter. Criteria: Invitae Variant Classification Sherloc (09022015). Collection method: clinical testing. Allele origin: germline.
Comment: This sequence change falls in intron 22 of the LRP2 gene. It does not directly change the encoded amino acid sequence of the LRP2 protein. It affects a nucleotide within the consensus splice site. This variant is present in population databases (no rsID available, gnomAD 0.002%). This variant has not been reported in the literature in individuals affected with LRP2-related conditions. Variants that disrupt the consensus splice site are a relatively common cause of aberrant splicing (PMID: 17576681, 9536098). Algorithms developed to predict the effect of sequence changes on RNA splicing suggest that this variant may disrupt the consensus splice site. In summary, the available evidence is currently insufficient to determine the role of this variant in disease. Therefore, it has been classified as a Variant of Uncertain Significance.

Literature cited by the submitters: PubMed 17576681; PubMed 9536098.